The following is an entry in ClinVar:

NM_000059.4(BRCA2):c.9256+4605G>A

Gene: BRCA2 (BRCA2 DNA repair associated; plus strand). Cytogenetic location: 13q13.1.
Variant type: single nucleotide variant.
Coding change: c.9256+4605G>A on transcript NM_000059.4 (MANE Select); 4605 bases into the intron after coding-DNA position 9256, G replaced by A.
Molecular consequence: intron variant.
Genome position (GRCh38, 1-based): chr13:32,384,750, G>A. VCF-style: chr13-32384750-G-A. GRCh37 (hg19) VCF-style: chr13-32958887-G-A.
Other names: IVS 24+4605G>A.
Identifiers: ClinVar variation 209866 (VCV000209866.2), dbSNP rs10492396, ClinGen allele CA276834.

ClinVar aggregate classification (germline): Benign. Review status: reviewed by expert panel (3 of 4 stars). 2 submissions from 2 submitters: Benign (1). 1 of the submissions does not count toward it. Last evaluated 2015-01-12.

Conditions:
Breast-ovarian cancer, familial, susceptibility to, 2 (BROVCA2). Also called: BRCA2 Hereditary Breast and Ovarian Cancer. Identifiers: Orphanet 145, MedGen C2675520, MONDO:0012933, OMIM 612555. Disease mechanism: loss of function.

Allele frequency attached by ClinVar (database versions not stated): 1000 Genomes Project 30x 0.02171; 1000 Genomes Project 0.02196; TOPMed 0.04220; gnomAD 0.04725 and 0.04879; gnomAD exomes 0.05779.
gnomAD v4.1: 13,199 of 254,848 alleles (5.2%); highest among the groups gnomAD compares: Non-Finnish European, 6.5%; 500 homozygotes.

Submissions (2):

Evidence-based Network for the Interpretation of Germline Mutant Alleles (ENIGMA)
Classification: Benign for Breast-ovarian cancer, familial 2. Last evaluated: 2015-01-12. Review status: reviewed by expert panel. Criteria: ENIGMA BRCA1/2 Classification Criteria (2015). Collection method: curation. Allele origin: germline.
Comment: Class 1 not pathogenic based on frequency >1% in an outbred sampleset. Frequency 0.06728 (European), derived from 1000 genomes (2012-04-30).

Breakthrough Genomics
Classification: Benign. Review status: criteria provided, single submitter. Criteria: ACMG Guidelines, 2015. Collection method: not provided. Allele origin: germline. Inheritance: Autosomal recessive inheritance. Affected: yes. Not counted in ClinVar's aggregate classification.